The following is an entry in ClinVar:

NM_032620.4(GTPBP3):c.1202G>C (p.Gly401Ala)

Gene: GTPBP3 (GTP binding protein 3, mitochondrial; plus strand). Cytogenetic location: 19p13.11.
Variant type: single nucleotide variant.
Coding change: c.1202G>C on transcript NM_032620.4 (MANE Select); coding-DNA position 1202, G replaced by C.
Protein change: p.Gly401Ala; replaces glycine 401 with alanine.
Molecular consequence: missense variant.
Genome position (GRCh38, 1-based): chr19:17,341,271, G>C. VCF-style: chr19-17341271-G-C. GRCh37 (hg19) VCF-style: chr19-17452080-G-C.
Other names: c.1298G>C (NM_133644.3); c.1139G>C, p.Gly380Ala (NM_001128855.3); c.1268G>C, p.Gly423Ala (NM_001195422.1); c.1298G>C, p.Gly433Ala (NM_133644.4); short protein forms G380A, G423A, G433A, G401A.
Identifiers: ClinVar variation 1500271 (VCV001500271.8), dbSNP rs762588490, ClinGen allele CA9293667.
Genomic context (GRCh38, chr19:17,341,271, plus strand): 5'-CGGAGGGCCCAGGTCCCGGTCCTGACCTGCCCCCGCACCTGCTGCTGTCCTGTCTGACGG[G>C]AGAGGGGCTGGACGGCCTCCTGGAGGCGCTGAGGAAGGAGCTAGCTGCAGTGTGAGCCCC-3'
Protein context (NP_116009.2, residues 391-411): PPHLLLSCLT[Gly401Ala]EGLDGLLEAL

ClinVar aggregate classification (germline): Uncertain significance. Review status: criteria provided, multiple submitters, no conflicts (2 of 4 stars). 2 submissions from 2 submitters: Uncertain significance (2). Last evaluated 2024-11-25.

Conditions:
Inborn genetic diseases. Identifiers: MedGen C0950123, MeSH D030342.

Allele frequency attached by ClinVar (database versions not stated): ExAC 0.00001; gnomAD 0.00001; gnomAD exomes 0.00001.
gnomAD v4.1: 17 of 1,605,668 alleles (0.0011%); highest among the groups gnomAD compares: Non-Finnish European, 0.0014%; no homozygotes.

Submissions (2):

Ambry Genetics
Classification: Uncertain significance for Inborn genetic diseases. Last evaluated: 2024-11-25. Review status: criteria provided, single submitter. Criteria: Ambry Variant Classification Scheme 2023. Collection method: clinical testing. Allele origin: germline.

Labcorp Genetics (formerly Invitae), Labcorp
Classification: Uncertain significance. Last evaluated: 2024-10-16. Review status: criteria provided, single submitter. Criteria: Invitae Variant Classification Sherloc (09022015). Collection method: clinical testing. Allele origin: germline.
Comment: This sequence change replaces glycine, which is neutral and non-polar, with alanine, which is neutral and non-polar, at codon 433 of the GTPBP3 protein (p.Gly433Ala). This variant is present in population databases (rs762588490, gnomAD 0.003%). This variant has not been reported in the literature in individuals affected with GTPBP3-related conditions. ClinVar contains an entry for this variant (Variation ID: 1500271). Invitae Evidence Modeling of protein sequence and biophysical properties (such as structural, functional, and spatial information, amino acid conservation, physicochemical variation, residue mobility, and thermodynamic stability) indicates that this missense variant is not expected to disrupt GTPBP3 protein function with a negative predictive value of 80%. In summary, the available evidence is currently insufficient to determine the role of this variant in disease. Therefore, it has been classified as a Variant of Uncertain Significance.